The following is an entry in ClinVar:

ClinVar aggregate classification (germline): Pathogenic. Review status: reviewed by expert panel (3 of 4 stars). 5 submissions from 5 submitters: Pathogenic (1). 4 of the submissions do not count toward it. Last evaluated 2016-09-08.

Conditions:
Hereditary breast ovarian cancer syndrome. Also called: BRCA1- and BRCA2-Associated Hereditary Breast and Ovarian Cancer; Hereditary breast and ovarian cancer syndrome; Hereditary breast and ovarian cancer syndrome (HBOC); Breast and ovarian cancer; Hereditary breast and/or ovarian cancer syndrome; Hereditary breast and ovarian cancer. Identifiers: Orphanet 145, MedGen C0677776, MeSH D061325, MONDO:0003582. Disease mechanism: loss of function.
Breast-ovarian cancer, familial, susceptibility to, 1 (BROVCA1). Also called: BRCA1 Hereditary Breast and Ovarian Cancer; OVARIAN CANCER, SUSCEPTIBILITY TO. Identifiers: Orphanet 145, MedGen C2676676, MONDO:0011450, OMIM 604370. Disease mechanism: loss of function.

Submissions (5):

Evidence-based Network for the Interpretation of Germline Mutant Alleles (ENIGMA)
Classification: Pathogenic for Breast-ovarian cancer, familial, susceptibility to, 1. Last evaluated: 2016-09-08. Review status: reviewed by expert panel. Criteria: ENIGMA BRCA1/2 Classification Criteria (2015). Collection method: curation. Allele origin: germline.
Comment: Variant allele predicted to encode a truncated non-functional protein.

Women's Health and Genetics/Laboratory Corporation of America, LabCorp
Classification: Pathogenic for Hereditary breast ovarian cancer syndrome. Last evaluated: 2024-07-29. Review status: criteria provided, single submitter. Criteria: LabCorp Variant Classification Summary - May 2015. Collection method: clinical testing. Allele origin: germline. Not counted in ClinVar's aggregate classification.
Comment: Variant summary: BRCA1 c.5186delT (p.Leu1729ArgfsX36) results in a premature termination codon, predicted to cause a truncation of the encoded protein or absence of the protein due to nonsense mediated decay, which are commonly known mechanisms for disease. The variant was absent in 251130 control chromosomes. To our knowledge, no occurrence of c.5186delT in individuals affected with Hereditary Breast And Ovarian Cancer Syndrome and no experimental evidence demonstrating its impact on protein function have been reported. ClinVar contains an entry for this variant (Variation ID: 91640). Based on the evidence outlined above, the variant was classified as pathogenic.

Labcorp Genetics (formerly Invitae), Labcorp
Classification: Pathogenic for Hereditary breast ovarian cancer syndrome. Last evaluated: 2022-04-25. Review status: criteria provided, single submitter. Criteria: Invitae Variant Classification Sherloc (09022015). Collection method: clinical testing. Allele origin: germline. Not counted in ClinVar's aggregate classification.
Comment: For these reasons, this variant has been classified as Pathogenic. ClinVar contains an entry for this variant (Variation ID: 91640). This premature translational stop signal has been observed in individual(s) with BRCA1-related conditions (PMID: 21520333). This variant is not present in population databases (gnomAD no frequency). This sequence change creates a premature translational stop signal (p.Leu1729Argfs*36) in the BRCA1 gene. It is expected to result in an absent or disrupted protein product. Loss-of-function variants in BRCA1 are known to be pathogenic (PMID: 20104584).

Counsyl
Classification: Likely pathogenic for Breast-ovarian cancer, familial, susceptibility to, 1. Last evaluated: 2018-05-07. Review status: no assertion criteria provided. Collection method: clinical testing. Allele origin: unknown. Not counted in ClinVar's aggregate classification.

Sharing Clinical Reports Project (SCRP)
Classification: Pathogenic for Breast-ovarian cancer, familial 1. Last evaluated: 2009-04-17. Review status: no assertion criteria provided. Collection method: clinical testing. Allele origin: germline. Not counted in ClinVar's aggregate classification.

Literature cited by the submitters: PubMed 21520333 (cited by Labcorp Genetics (formerly Invitae), Labcorp); PubMed 20104584 (cited by Labcorp Genetics (formerly Invitae), Labcorp).

NM_007294.4(BRCA1):c.5186del (p.Leu1729fs)

Gene: BRCA1 (BRCA1 DNA repair associated; minus strand). Cytogenetic location: 17q21.31.
Variant type: Deletion.
Coding change: c.5186del on transcript NM_007294.4 (MANE Select); coding-DNA position 5186, one base deleted (T; older notation c.5186delT).
Protein change: p.Leu1729fs; shifts the reading frame from leucine 1729.
Molecular consequence: frameshift variant. On other transcripts: non-coding transcript variant (1).
Genome position (GRCh38, 1-based): chr17:43,063,340, A deleted on the plus strand (T on the coding strand, the reverse complement: BRCA1 is on the minus strand). VCF-style (leftmost placement, unchanged base first): chr17-43063339-CA-C. GRCh37 (hg19) VCF-style: chr17-41215356-CA-C.
Other names: 5305delT; c.5186delT (NM_007294.4); c.5039delT, p.Leu1680Argfs (NM_001407853.1, NM_001407838.1, NM_001407839.1 and 12 more transcripts); c.5186delT, p.Leu1729Argfs (NM_001407854.1, NM_001407593.1, NM_001407594.1 and 7 more transcripts); c.5183delT, p.Leu1728Argfs (NM_001407858.1, NM_001407859.1, NM_001407860.1 and 17 more transcripts); c.5180delT, p.Leu1727Argfs (NM_001407861.1, NM_001407627.1, NM_001407628.1 and 14 more transcripts); c.4985delT, p.Leu1662Argfs (NM_001407862.1); c.4982delT, p.Leu1661Argfs (NM_001407863.1); and 77 more; short protein forms L1682fs, L1750fs, L1729fs, L625fs.
Identifiers: ClinVar variation 91640 (VCV000091640.14), dbSNP rs398122692, ClinGen allele CA003329.